The following is an entry in ClinVar:

ClinVar aggregate classification (germline): Likely benign. Review status: criteria provided, single submitter (1 of 4 stars). 2 submissions from 2 submitters: Likely benign (1). 1 of the submissions does not count toward it. Last evaluated 2023-08-27.

Conditions:
GTPBP3-related disorder. Also called: GTPBP3-related condition.

Allele frequency attached by ClinVar (database versions not stated): TOPMed below 0.00001; gnomAD 0.00001; 1000 Genomes Project 30x 0.00016.

Submissions (2):

Labcorp Genetics (formerly Invitae), Labcorp
Classification: Likely benign. Last evaluated: 2023-08-27. Review status: criteria provided, single submitter. Criteria: Invitae Variant Classification Sherloc (09022015). Collection method: clinical testing. Allele origin: germline.

PreventionGenetics, part of Exact Sciences
Classification: Likely benign for GTPBP3-related condition. Last evaluated: 2019-12-09. Review status: no assertion criteria provided. Collection method: clinical testing. Allele origin: germline. Not counted in ClinVar's aggregate classification.
Comment: This variant is classified as likely benign based on ACMG/AMP sequence variant interpretation guidelines (Richards et al. 2015 PMID: 25741868, with internal and published modifications).

NM_032620.4(GTPBP3):c.45G>A (p.Gly15=)

Gene: GTPBP3 (GTP binding protein 3, mitochondrial; plus strand). Cytogenetic location: 19p13.11.
Variant type: single nucleotide variant.
Coding change: c.45G>A on transcript NM_032620.4 (MANE Select); coding-DNA position 45, G replaced by A.
Protein change: p.Gly15=; no amino-acid change (glycine 15 retained).
Molecular consequence: synonymous variant. On other transcripts: intron variant (1).
Genome position (GRCh38, 1-based): chr19:17,337,656, G>A. VCF-style: chr19-17337656-G-A. GRCh37 (hg19) VCF-style: chr19-17448465-G-A.
Other names: c.45G>A, p.Gly15= (NM_001128855.3, NM_133644.4); c.120-352G>A (NM_001195422.1); c.45G>A (NM_133644.3).
Identifiers: ClinVar variation 2877810 (VCV002877810.5), dbSNP rs1371040711, ClinGen allele CA505986808.